The following is an entry in ClinVar:

NM_001040142.2(SCN2A):c.970+6A>G

Gene: SCN2A (sodium voltage-gated channel alpha subunit 2; plus strand). Cytogenetic location: 2q24.3.
Variant type: single nucleotide variant.
Coding change: c.970+6A>G on transcript NM_001040142.2 (MANE Select); 6 bases into the intron after coding-DNA position 970, A replaced by G.
Molecular consequence: intron variant.
Genome position (GRCh38, 1-based): chr2:165,310,601, A>G. VCF-style: chr2-165310601-A-G. GRCh37 (hg19) VCF-style: chr2-166167111-A-G.
Other names: c.970+6A>G (NM_001040143.2, NM_001371246.1, NM_001371247.1 and 1 more transcripts).
Identifiers: ClinVar variation 4282313 (VCV004282313.2).

ClinVar aggregate classification (germline): Likely pathogenic (1 of 4 stars; one submission).

Submission:

GeneDx
Classification: Likely pathogenic. Last evaluated: 2026-07-10. Review status: criteria provided, single submitter. Criteria: GeneDx Variant Classification Process June 2021. Collection method: clinical testing. Allele origin: germline.
Comment: Not observed at significant frequency in large population cohorts (gnomAD); In silico analysis supports a deleterious effect on splicing; Has not been previously published as pathogenic or benign to our knowledge